The following is an entry in ClinVar:

NM_007294.4(BRCA1):c.5430G>A (p.Val1810=)

Gene: BRCA1 (BRCA1 DNA repair associated; minus strand). Cytogenetic location: 17q21.31.
Variant type: single nucleotide variant.
Coding change: c.5430G>A on transcript NM_007294.4 (MANE Select); coding-DNA position 5430, G replaced by A.
Protein change: p.Val1810=; no amino-acid change (valine 1810 retained).
Molecular consequence: synonymous variant. On other transcripts: missense variant (17).
Genome position (GRCh38, 1-based): chr17:43,047,680, C>T on the plus strand (G>A on the coding strand, the complement: BRCA1 is on the minus strand). VCF-style: chr17-43047680-C-T. GRCh37 (hg19) VCF-style: chr17-41199697-C-T.
Other names: c.5430G>A, p.Val1810= (NM_001407598.1, NM_001407602.1, NM_001407603.1 and 5 more transcripts); c.5427G>A, p.Val1809= (NM_001407610.1, NM_001407611.1, NM_001407612.1 and 14 more transcripts); c.5424G>A, p.Val1808= (NM_001407627.1, NM_001407628.1, NM_001407629.1 and 13 more transcripts); c.5421G>A, p.Val1807= (NM_001407644.1, NM_001407645.1); c.5418G>A, p.Val1806= (NM_001407646.1); c.5415G>A, p.Val1805= (NM_001407647.1); c.5373G>A, p.Val1791= (NM_001407648.1); c.5370G>A, p.Val1790= (NM_001407649.1); and 83 more; short protein forms A682T, A1738T, A1739T, A1784T, A1785T, A1743T, A1744T, A1745T.
Identifiers: ClinVar variation 184631 (VCV000184631.26), dbSNP rs786201582, ClinGen allele CA003592.
Genomic context (GRCh38, chr17:43,047,680, plus strand): 5'-ACAGGTACATGCAGGCACCTTACCATGGAAGCCATTGTCCTCTGTCCAGGCATCTGGCTG[C>T]ACAACCACAATTGGGTGGACACCCTGGATCCCCAGGAAGGAAAGAGCATTCAAAGTGTCA-3'
Protein context (NP_009225.1, residues 1800-1820): LGTGVHPIVV[Val1810=]QPDAWTEDNG

ClinVar aggregate classification (germline): Likely benign. Review status: reviewed by expert panel (3 of 4 stars). 7 submissions from 7 submitters: Likely benign (1). 6 of the submissions do not count toward it. Last evaluated 2017-06-29.

Conditions:
Hereditary breast ovarian cancer syndrome. Also called: Hereditary breast and ovarian cancer syndrome; Hereditary breast and ovarian cancer syndrome (HBOC); BRCA1- and BRCA2-Associated Hereditary Breast and Ovarian Cancer; Breast and ovarian cancer; Hereditary breast and ovarian cancer; Hereditary breast and/or ovarian cancer syndrome. Identifiers: Orphanet 145, MedGen C0677776, MeSH D061325, MONDO:0003582. Disease mechanism: loss of function.
Hereditary cancer-predisposing syndrome. Also called: Hereditary Cancer Syndrome; Hereditary neoplastic syndrome; Tumor predisposition; Neoplastic Syndromes, Hereditary. Identifiers: Orphanet 140162, MedGen C0027672, MeSH D009386, MONDO:0015356.
Breast-ovarian cancer, familial, susceptibility to, 1 (BROVCA1). Also called: OVARIAN CANCER, SUSCEPTIBILITY TO; BRCA1 Hereditary Breast and Ovarian Cancer. Identifiers: Orphanet 145, MedGen C2676676, MONDO:0011450, OMIM 604370. Disease mechanism: loss of function.

Allele frequency attached by ClinVar (database versions not stated): gnomAD exomes 0.00001.
gnomAD v4.1: 19 of 1,614,230 alleles (0.0012%); highest among the groups gnomAD compares: South Asian, 0.014%; no homozygotes.

Submissions (8):

Evidence-based Network for the Interpretation of Germline Mutant Alleles (ENIGMA)
Classification: Likely benign for Breast-ovarian cancer, familial, susceptibility to, 1. Last evaluated: 2017-06-29. Review status: reviewed by expert panel. Criteria: ENIGMA BRCA1/2 Classification Criteria (2017-06-29). Collection method: curation. Allele origin: germline.
Comment: Synonymous substitution variant, with low bioinformatic likelihood to result in a splicing aberration (Splicing prior probability 0.02).

Labcorp Genetics (formerly Invitae), Labcorp
Classification: Likely benign for Hereditary breast ovarian cancer syndrome. Last evaluated: 2025-09-03. Review status: criteria provided, single submitter. Criteria: Invitae Variant Classification Sherloc (09022015). Collection method: clinical testing. Allele origin: germline. Not counted in ClinVar's aggregate classification.

Quest Diagnostics Nichols Institute San Juan Capistrano
Classification: Likely benign. Last evaluated: 2025-07-10. Review status: criteria provided, single submitter. Criteria: Quest Diagnostics criteria. Collection method: clinical testing. Allele origin: unknown. Not counted in ClinVar's aggregate classification.

All of Us Research Program, National Institutes of Health
Classification: Likely benign for Breast-ovarian cancer, familial, susceptibility to, 1. Last evaluated: 2023-03-28. Review status: criteria provided, single submitter. Criteria: ACMG Guidelines, 2015. Collection method: clinical testing. Allele origin: germline. Inheritance: Autosomal dominant inheritance. Observed: 1 variant allele, 1 heterozygote. Not counted in ClinVar's aggregate classification.
Comment: This study involves interpretation of variants in research participants for the purpose of population health screening. Participant phenotype was not available at the time of variant classification. Additional details can be found in publication PMID: 35346344, PMCID: PMC8962531

GeneDx
Classification: Likely benign. Last evaluated: 2019-02-08. Review status: criteria provided, single submitter. Criteria: GeneDx Variant Classification Process June 2021. Collection method: clinical testing. Allele origin: germline. Affected: yes. Not counted in ClinVar's aggregate classification.
Comment: This variant is associated with the following publications: (PMID: 30209399)

Color Diagnostics, LLC DBA Color Health
Classification: Likely benign for Hereditary cancer-predisposing syndrome. Last evaluated: 2018-02-08. Review status: criteria provided, single submitter. Criteria: ACMG Guidelines, 2015. Collection method: clinical testing. Allele origin: germline. Not counted in ClinVar's aggregate classification.

Ambry Genetics
Classification: Likely benign for Hereditary cancer-predisposing syndrome. Last evaluated: 2014-10-24. Review status: criteria provided, single submitter. Criteria: Ambry Variant Classification Scheme 2023. Collection method: clinical testing. Allele origin: germline. Not counted in ClinVar's aggregate classification.

Brotman Baty Institute, University of Washington
No classification provided (evidence only). Condition: Breast-ovarian cancer, familial 1. Review status: no classification provided. Collection method: in vitro. Allele origin: not applicable. Functional consequence: functionally_normal. Not counted in ClinVar's aggregate classification.
ClinVar note: "not provided" was previously submitted as the classification for the variant. However, the classification appeared to be based only on an observation of functional data so it was converted to no classification on 2025-07-30.

Literature cited by the submitters: PubMed 30209399 (cited by Quest Diagnostics Nichols Institute San Juan Capistrano); PubMed 32467295 (cited by Quest Diagnostics Nichols Institute San Juan Capistrano).